The following is an entry in ClinVar:

ClinVar aggregate classification (germline): Uncertain significance. Review status: criteria provided, multiple submitters, no conflicts (2 of 4 stars). 2 submissions from 2 submitters: Uncertain significance (2). Last evaluated 2025-03-11.

Conditions:
Hereditary cancer-predisposing syndrome. Also called: Hereditary Cancer Syndrome; Hereditary neoplastic syndrome; Neoplastic Syndromes, Hereditary; Tumor predisposition. Identifiers: Orphanet 140162, MedGen C0027672, MeSH D009386, MONDO:0015356.
Rhabdoid tumor predisposition syndrome 2 (RTPS2). Identifiers: Orphanet 231108, Orphanet 69077, MedGen C2750074, MONDO:0013224, OMIM 613325.

Submissions (2):

Labcorp Genetics (formerly Invitae), Labcorp
Classification: Uncertain significance for Rhabdoid tumor predisposition syndrome 2. Last evaluated: 2025-03-11. Review status: criteria provided, single submitter. Criteria: Invitae Variant Classification Sherloc (09022015). Collection method: clinical testing. Allele origin: germline.
Comment: This sequence change replaces proline, which is neutral and non-polar, with arginine, which is basic and polar, at codon 32 of the SMARCA4 protein (p.Pro32Arg). This variant is not present in population databases (gnomAD no frequency). This variant has not been reported in the literature in individuals affected with SMARCA4-related conditions. ClinVar contains an entry for this variant (Variation ID: 1767517). Experimental studies and prediction algorithms are not available or were not evaluated, and the functional significance of this variant is currently unknown. In summary, the available evidence is currently insufficient to determine the role of this variant in disease. Therefore, it has been classified as a Variant of Uncertain Significance.

Ambry Genetics
Classification: Uncertain significance for Hereditary cancer-predisposing syndrome. Last evaluated: 2024-12-18. Review status: criteria provided, single submitter. Criteria: Ambry Variant Classification Scheme 2023. Collection method: clinical testing. Allele origin: germline.
Comment: The p.P32R variant (also known as c.95C>G), located in coding exon 1 of the SMARCA4 gene, results from a C to G substitution at nucleotide position 95. The proline at codon 32 is replaced by arginine, an amino acid with dissimilar properties. This amino acid position is highly conserved in available vertebrate species. In addition, this alteration is predicted to be deleterious by in silico analysis. Based on the available evidence, the clinical significance of this variant remains unclear.

NM_003072.5(SMARCA4):c.95C>G (p.Pro32Arg)

Gene: SMARCA4 (SWI/SNF related BAF chromatin remodeling complex subunit ATPase 4; plus strand). Cytogenetic location: 19p13.2.
Variant type: single nucleotide variant.
Coding change: c.95C>G on transcript NM_003072.5 (MANE Select); coding-DNA position 95, C replaced by G.
Protein change: p.Pro32Arg; replaces proline 32 with arginine.
Molecular consequence: missense variant. On other transcripts: non-coding transcript variant (1).
Genome position (GRCh38, 1-based): chr19:10,984,246, C>G. VCF-style: chr19-10984246-C-G. GRCh37 (hg19) VCF-style: chr19-11094922-C-G.
Other names: c.95C>G, p.Pro32Arg (NM_001128844.3, NM_001128845.2, NM_001128846.2 and 6 more transcripts); short protein forms P32R.
Identifiers: ClinVar variation 1767517 (VCV001767517.8), dbSNP rs910095001, ClinGen allele CA404054169.